The following is an entry in ClinVar:

NM_018690.4(APOBR):c.1554C>T (p.Ala518=)

Gene: APOBR (apolipoprotein B receptor; plus strand). Cytogenetic location: 16p12.1.
Variant type: single nucleotide variant.
Coding change: c.1554C>T on transcript NM_018690.4 (MANE Select); coding-DNA position 1554, C replaced by T.
Protein change: p.Ala518=; no amino-acid change (alanine 518 retained).
Molecular consequence: synonymous variant.
Genome position (GRCh38, 1-based): chr16:28,496,595, C>T. VCF-style: chr16-28496595-C-T. GRCh37 (hg19) VCF-style: chr16-28507916-C-T.
Other names: c.1527C>T, p.Ala509= (NM_001424171.1, NM_182804.1).
Identifiers: ClinVar variation 2646347 (VCV002646347.24), dbSNP rs62034316, ClinGen allele CA7981487.
Genomic context (GRCh38, chr16:28,496,595, plus strand): 5'-AGGGAGCAGCAGGGATCCAGTGGCTGAGCTGCCCTCAGATGGAGAGGCTGAAGGCACTGC[C>T]GACTTGGAGGCAACTCCAGAGGCCAGGCCTGAGGAGGAGCTCACAGGGGAGGAGAGTGAG-3'
Protein context (NP_061160.3, residues 508-528): LPSDGEAEGT[Ala518=]DLEATPEARP

ClinVar aggregate classification (germline): Likely benign (1 of 4 stars; one submission).

Allele frequency attached by ClinVar (database versions not stated): gnomAD exomes 0.00023; ExAC 0.00028; ESP Exome Variant Server 0.00040; gnomAD 0.00046; TOPMed 0.00057.

Submission:

CeGaT Center for Human Genetics Tuebingen
Classification: Likely benign. Last evaluated: 2022-03-01. Review status: criteria provided, single submitter. Criteria: CeGaT Center For Human Genetics Tuebingen Variant Classification Criteria Version 2. Collection method: clinical testing. Allele origin: germline. Affected: yes. Observed: 1 variant allele.
Comment: APOBR: BP4, BP7